The following is an entry in ClinVar:

ClinVar aggregate classification (germline): Likely pathogenic (1 of 4 stars; one submission).

Conditions:
Hermansky-Pudlak syndrome 1 (HPS1). Also called: DELTA STORAGE POOL DISEASE. Identifiers: Orphanet 231500, Orphanet 79430, MedGen C2931875, MONDO:0008748, OMIM 203300.

Submission:

Juno Genomics, Hangzhou Juno Genomics, Inc
Classification: Likely pathogenic for Hermansky-Pudlak syndrome 1. Review status: criteria provided, single submitter. Criteria: ACMG Guidelines, 2015. Collection method: clinical testing. Allele origin: germline.
Comment: Null variant in a gene where loss of function (LOF) is a known mechanism of disease.;Absent from controls (or at extremely low frequency if recessive) in Genome Aggregation Database.

NM_000195.5(HPS1):c.604_605dup (p.Gly203fs)

Gene: HPS1 (HPS1 biogenesis of lysosomal organelles complex 3 subunit 1; minus strand). Cytogenetic location: 10q24.2.
Variant type: Duplication.
Coding change: c.604_605dup on transcript NM_000195.5 (MANE Select); coding-DNA positions 604 to 605, 2 bases duplicated (GG; older notation c.604_605dupGG).
Protein change: p.Gly203fs; shifts the reading frame from glycine 203.
Molecular consequence: frameshift variant. On other transcripts: 5 prime UTR variant (3), intron variant (5).
Genome position (GRCh38, 1-based): chr10:98,431,194-98,431,195, CC duplicated on the plus strand (GG on the coding strand, the reverse complement: HPS1 is on the minus strand); duplicating any 2 consecutive bases within chr10:98,431,194-98,431,197 gives the same sequence; the c. name uses the placement nearest the transcript's 3' end. VCF-style (leftmost placement, unchanged base first): chr10-98431193-T-TCC. GRCh37 (hg19) VCF-style: chr10-100190950-T-TCC.
Other names: c.-270_-269dup (NM_001311345.2, NM_001322489.2); c.604_605dup, p.Gly203fs (NM_182639.4, NM_001322476.2, NM_001322477.2 and 3 more transcripts); c.408-525_408-524dup (NM_001322480.2, NM_001322482.2, NM_001322481.2); c.551-525_551-524dup (NM_001322492.2, NM_001322490.2); c.235_236dup, p.Gly80fs (NM_001322483.2, NM_001322484.2, NM_001322485.2); c.-369_-368dup (NM_001322487.2); short protein forms G80fs, G203fs.
Identifiers: ClinVar variation 5007754 (VCV005007754.2).
Genomic context (GRCh38, chr10:98,431,193, plus strand): 5'-AGAGTAGAATGCCAGCAGCTTGGAGTGCACGAGCAGGAAGGCATGCAGGGCCTCCTCGCC[T>TCC]CCCCGCTCGGGGCTGGTGTTGACAGCCTGGATGACGTGCCGCTCCAGCGCCTCTATGCAC-3'